The following is an entry in ClinVar:

NM_032043.3(BRIP1):c.1702_1703del (p.Asn568fs)

Gene: BRIP1 (BRCA1 interacting DNA helicase 1; minus strand). Cytogenetic location: 17q23.2.
Variant type: Deletion.
Coding change: c.1702_1703del on transcript NM_032043.3 (MANE Select); coding-DNA positions 1702 to 1703, 2 bases deleted (AA; older notation c.1702_1703delAA).
Protein change: p.Asn568fs; shifts the reading frame from asparagine 568.
Molecular consequence: frameshift variant.
Genome position (GRCh38, 1-based): chr17:61,780,931-61,780,932, TT deleted on the plus strand (AA on the coding strand, the reverse complement: BRIP1 is on the minus strand); deleting any 2 consecutive bases within chr17:61,780,931-61,780,935 gives the same sequence; the c. name uses the placement nearest the transcript's 3' end. VCF-style (leftmost placement, unchanged base first): chr17-61780930-ATT-A. GRCh37 (hg19) VCF-style: chr17-59858291-ATT-A.
Other names: c.1702_1703delAA (NM_032043.2); short protein forms N568fs.
Identifiers: ClinVar variation 221621 (VCV000221621.29), dbSNP rs1057519365, ClinGen allele CA16044127.

ClinVar aggregate classification (germline): Pathogenic/Likely pathogenic. Review status: criteria provided, multiple submitters, no conflicts (2 of 4 stars). 13 submissions from 13 submitters: Pathogenic (8); Likely pathogenic (4). 1 of the submissions does not count toward it. Last evaluated 2025-12-28.

Conditions:
BRIP1-related disorder. Also called: BRIP1-related condition; BRIP1-related disorders. Identifiers: MedGen CN239206.
Carcinoma of colon (CRC). Also called: Colon carcinoma; Colonic carcinoma. Identifiers: MedGen C0699790, MONDO:0002032.
Hereditary cancer-predisposing syndrome. Also called: Tumor predisposition; Neoplastic Syndromes, Hereditary; Hereditary Cancer Syndrome; Hereditary neoplastic syndrome. Identifiers: Orphanet 140162, MedGen C0027672, MeSH D009386, MONDO:0015356.
Ovarian cancer. Also called: OVARIAN CANCER, SOMATIC. Identifiers: Orphanet 213500, MedGen C1140680, MONDO:0008170, OMIM 167000.
Fanconi anemia complementation group J. Also called: BRIP1-Related Fanconi Anemia. Identifiers: Orphanet 84, MedGen C1836860, MONDO:0012187, OMIM 609054.
Familial cancer of breast. Also called: hereditary breast carcinoma; Hereditary breast cancer; BREAST CANCER, FAMILIAL. Identifiers: Orphanet 227535, MedGen C0346153, MONDO:0016419, OMIM 114480. Disease mechanism: loss of function.

Submissions (13):

Labcorp Genetics (formerly Invitae), Labcorp
Classification: Pathogenic for Familial cancer of breast; Fanconi anemia complementation group J. Last evaluated: 2025-12-28. Review status: criteria provided, single submitter. Criteria: Invitae Variant Classification Sherloc (09022015). Collection method: clinical testing. Allele origin: germline.
Comment: This sequence change creates a premature translational stop signal (p.Asn568Trpfs*9) in the BRIP1 gene. It is expected to result in an absent or disrupted protein product. Loss-of-function variants in BRIP1 are known to be pathogenic (PMID: 16116423, 17033622, 21964575). This variant is present in population databases (no rsID available, gnomAD 0.003%). This premature translational stop signal has been observed in individual(s) with colorectal cancer and ovarian cancer (PMID: 21964575, 25058500). ClinVar contains an entry for this variant (Variation ID: 221621). For these reasons, this variant has been classified as Pathogenic.

Dasa
Classification: Pathogenic. Last evaluated: 2025-06-19. Review status: criteria provided, single submitter. Criteria: DASA Assertion Criteria. Collection method: clinical testing. Allele origin: germline.
Comment: NM_032043.3(BRIP1):c.1702_1703del (p.Asn568Trpfs*9) introduces a premature termination codon predicted to result in loss of normal protein function. Loss-of-function is an established mechanism of disease for this gene. This variant has been recurrently observed in individuals with related phenotype (PMID: 27165003; PMID: 21964575; PMID: 25058500). The variant is present at low frequency in population datasets. Based on the available data, this variant is classified as pathogenic.

Molecular Diagnostics Laboratory, Catalan Institute of Oncology
Classification: Likely pathogenic for Hereditary cancer-predisposing syndrome. Last evaluated: 2025-02-04. Review status: criteria provided, single submitter. Criteria: ACMG Guidelines, 2015. Collection method: clinical testing. Allele origin: germline.
Comment: PVS1, PM2_Supporting c.1702_1703del, located in exon 12 of the BRIP1 gene causing a translational frameshift with a predicted alternate stop codon, p.(Asn568Trpfs*9)(PVS1).The variant allele was found in 1/268238 alleles in the gnomAD v2.1.1 database, non-cancer dataset (PM2_supporting). The SpliceAI algorithm predicts no significant impact on splicing. To our knowledge, functional studies have not been reported for this variant. It has been identified in the following databases, ClinVar (6x pathogenic, 3x likely pathogenic) and LOVD (1x not provided) databases. Based on currently available information, the variant c.1702_1703del is classified as a likely pathogenic variant according to ACMG guidelines.

Hereditary Cancer Laboratory, Hospital Universitario 12 de Octubre
Classification: Pathogenic for Hereditary cancer-predisposing syndrome. Last evaluated: 2024-10-20. Review status: criteria provided, single submitter. Criteria: ACMG Guidelines, 2015. Collection method: clinical testing. Allele origin: germline.
Comment: PVS1+PM2

Color Diagnostics, LLC DBA Color Health
Classification: Pathogenic for Hereditary cancer-predisposing syndrome. Last evaluated: 2024-07-26. Review status: criteria provided, single submitter. Criteria: ACMG Guidelines, 2015. Collection method: clinical testing. Allele origin: germline.
Comment: This variant deletes 2 nucleotides in exon 12 of the BRIP1 gene, creating a frameshift and premature translation stop signal. This variant is expected to result in an absent or non-functional protein product. This variant has been reported in two individuals affected with ovarian cancer (PMID: 21964575) and eight individuals affected with breast cancer (PMID: 21964575, 30306255, 31786208), as well as in an individual with colorectal cancer (PMID: 27165003). This variant has been identified in 1/251398 chromosomes in the general population by the Genome Aggregation Database (gnomAD). Loss of BRIP1 function is a known mechanism of disease. Based on the available evidence, this variant is classified as Pathogenic.

Blueprint Genetics
Classification: Pathogenic for BRIP1-related disorders. Last evaluated: 2024-03-16. Review status: criteria provided, single submitter. Criteria: ACMG Guidelines, 2015. Collection method: clinical testing. Allele origin: germline. Affected: yes. Observed: 3 variant alleles.

Baylor Genetics
Classification: Pathogenic for Familial cancer of breast. Last evaluated: 2023-10-18. Review status: criteria provided, single submitter. Criteria: ACMG Guidelines, 2015. Collection method: clinical testing. Allele origin: unknown.

Ambry Genetics
Classification: Pathogenic for Hereditary cancer-predisposing syndrome. Last evaluated: 2023-07-14. Review status: criteria provided, single submitter. Criteria: Ambry Variant Classification Scheme 2023. Collection method: clinical testing. Allele origin: germline.
Comment: The c.1702_1703delAA pathogenic mutation, located in coding exon 11 of the BRIP1 gene, results from a deletion of two nucleotides at nucleotide positions 1702 to 1703, causing a translational frameshift with a predicted alternate stop codon (p.N568Wfs*9). In one study, this mutation was reported in 2/144 Spanish individuals with ovarian cancer, 6/927 Spanish individuals with breast cancer, and 1/1780 controls (Rafnar T et al. Nat. Genet. 2011 Nov; 43(11):1104-7). In addition to the clinical data presented in the literature, this alteration is expected to result in loss of function by premature protein truncation or nonsense-mediated mRNA decay. As such, this alteration is interpreted as a disease-causing mutation.

Myriad Genetics, Inc.
Classification: Pathogenic for Familial cancer of breast. Last evaluated: 2023-02-27. Review status: criteria provided, single submitter. Criteria: Myriad Autosomal Dominant, Autosomal Recessive and X-Linked Classification Criteria (2023). Collection method: clinical testing. Allele origin: unknown.
Comment: This variant is considered pathogenic. This variant creates a frameshift predicted to result in premature protein truncation.

Fulgent Genetics
Classification: Likely pathogenic for Familial cancer of breast; Fanconi anemia complementation group J. Last evaluated: 2021-07-27. Review status: criteria provided, single submitter. Criteria: ACMG Guidelines, 2015. Collection method: clinical testing. Allele origin: unknown.

GeneDx
Classification: Likely pathogenic. Last evaluated: 2016-09-07. Review status: criteria provided, single submitter. Criteria: GeneDx Variant Classification (06012015). Collection method: clinical testing. Allele origin: germline. Affected: yes.
Comment: This deletion of two nucleotides in BRIP1 is denoted c.1702_1703delAA at the cDNA level and p.Asn568TrpfsX9 (N568WfsX9) at the protein level. The normal sequence, with the bases that are deleted in braces, is CAAA[AA]TGGG. The deletion causes a frameshift which changes an Asparagine to a Tryptophan at codon 568, and creates a premature stop codon at position 9 of the new reading frame. This variant is predicted to cause loss of normal protein function through either protein truncation or nonsense-mediated mRNA decay. BRIP1 c.1702_1703delAA has been observed in individuals with ovarian, breast and colorectal cancer (Rafnar 2011, Esteban-Jurado 2015). Based on the currently available information, we consider this deletion to be a likely pathogenic variant.

Genetic Predisposition to Colorectal Cancer Group, Institut d’Investigacions Biomediques August Pi i Sunyer
Classification: Likely pathogenic for Colorectal cancer. Last evaluated: 2015-11-01. Review status: criteria provided, single submitter. Criteria: Submitter's publication. Collection method: clinical testing. Allele origin: germline. Affected: yes. Observed: 1 variant allele. Study: FAMCOLON.
Comment: Variant detected by whole exome sequencing in a family presenting aggregation mainly for colorectal cancer but also for gastric cancer

Segregation in the family affected members; frequency in the control datasets <0.01% (ExAC, EVS, CIBERER Spanish Variant Server); LOH in the tumor

Counsyl
Classification: Pathogenic for Fanconi anemia complementation group J; Ovarian cancer. Last evaluated: 2018-06-05. Review status: no assertion criteria provided. Collection method: clinical testing. Allele origin: unknown. Not counted in ClinVar's aggregate classification.

Literature cited by the submitters: PubMed 16116423 (cited by Labcorp Genetics (formerly Invitae), Labcorp); PubMed 17033622 (cited by Labcorp Genetics (formerly Invitae), Labcorp); PubMed 21964575 (cited by 5 submitters); PubMed 25058500 (cited by 3 submitters); PubMed 27165003 (cited by 5 submitters); PubMed 30306255 (cited by Color Diagnostics, LLC DBA Color Health and Ambry Genetics); PubMed 31786208 (cited by Color Diagnostics, LLC DBA Color Health and Ambry Genetics); PubMed 22264603 (cited by Ambry Genetics); PubMed 27107905 (cited by Ambry Genetics); PubMed 27471560 (cited by Ambry Genetics); PubMed 30256826 (cited by Ambry Genetics); PubMed 31366178 (cited by Ambry Genetics).